The following is an entry in ClinVar:

NM_000166.6(GJB1):c.206T>G (p.Phe69Cys)

Gene: GJB1 (gap junction protein beta 1; plus strand). Cytogenetic location: Xq13.1.
Variant type: single nucleotide variant.
Coding change: c.206T>G on transcript NM_000166.6 (MANE Select); coding-DNA position 206, T replaced by G.
Protein change: p.Phe69Cys; replaces phenylalanine 69 with cysteine.
Molecular consequence: missense variant.
Genome position (GRCh38, 1-based): chrX:71,223,913, T>G. VCF-style: chrX-71223913-T-G. GRCh37 (hg19) VCF-style: chrX-70443763-T-G.
Other names: c.206T>G, p.Phe69Cys (NM_001097642.3); short protein forms F69C.
Identifiers: ClinVar variation 2815377 (VCV002815377.3), dbSNP rs2519798050, ClinGen allele CA413501467.

ClinVar aggregate classification (germline): Uncertain significance (1 of 4 stars; one submission).

Conditions:
Charcot-Marie-Tooth Neuropathy X. Identifiers: MedGen CN118851.

Submission:

Labcorp Genetics (formerly Invitae), Labcorp
Classification: Uncertain significance for Charcot-Marie-Tooth Neuropathy X. Last evaluated: 2022-11-20. Review status: criteria provided, single submitter. Criteria: Invitae Variant Classification Sherloc (09022015). Collection method: clinical testing. Allele origin: germline.
Comment: Advanced modeling of protein sequence and biophysical properties (such as structural, functional, and spatial information, amino acid conservation, physicochemical variation, residue mobility, and thermodynamic stability) performed at Invitae indicates that this missense variant is expected to disrupt GJB1 protein function. In summary, the available evidence is currently insufficient to determine the role of this variant in disease. Therefore, it has been classified as a Variant of Uncertain Significance. This variant disrupts the p.Phe69 amino acid residue in GJB1. Other variant(s) that disrupt this residue have been determined to be pathogenic (PMID: 10923043, 17100997, 29998508). This suggests that this residue is clinically significant, and that variants that disrupt this residue are likely to be disease-causing. This missense change has been observed in individual(s) with clinical features of Charcot-Marie-Tooth disease (Invitae). This variant is not present in population databases (gnomAD no frequency). This sequence change replaces phenylalanine, which is neutral and non-polar, with cysteine, which is neutral and slightly polar, at codon 69 of the GJB1 protein (p.Phe69Cys).

Literature cited by the submitters: PubMed 10923043; PubMed 17100997; PubMed 29998508.